The following is an entry in ClinVar:

NM_002691.4(POLD1):c.759G>A (p.Arg253=)

Gene: POLD1 (DNA polymerase delta 1, catalytic subunit; plus strand). Cytogenetic location: 19q13.33.
Variant type: single nucleotide variant.
Coding change: c.759G>A on transcript NM_002691.4 (MANE Select); coding-DNA position 759, G replaced by A.
Protein change: p.Arg253=; no amino-acid change (arginine 253 retained).
Molecular consequence: synonymous variant. On other transcripts: non-coding transcript variant (1).
Genome position (GRCh38, 1-based): chr19:50,402,454, G>A. VCF-style: chr19-50402454-G-A. GRCh37 (hg19) VCF-style: chr19-50905711-G-A.
Other names: c.759G>A, p.Arg253= (NM_001256849.1, NM_001308632.1).
Identifiers: ClinVar variation 642706 (VCV000642706.8), dbSNP rs1302283385, ClinGen allele CA508304475.

ClinVar aggregate classification (germline): Uncertain significance (1 of 4 stars; one submission).

Conditions:
POLD1-related polyposis and colorectal cancer syndrome (CRCS10). Also called: Colorectal cancer, susceptibility to, 10; Colorectal cancer 10; COLORECTAL CANCER, SUSCEPTIBILITY TO, ON CHROMOSOME 19q. Identifiers: Orphanet 220460, MedGen C2675481, MONDO:0012953, OMIM 612591.

Submission:

Labcorp Genetics (formerly Invitae), Labcorp
Classification: Uncertain significance for POLD1-related polyposis and colorectal cancer syndrome. Last evaluated: 2018-12-30. Review status: criteria provided, single submitter. Criteria: Invitae Variant Classification Sherloc (09022015). Collection method: clinical testing. Allele origin: germline.
Comment: This sequence change affects codon 253 of the POLD1 mRNA. It is a 'silent' change, meaning that it does not change the encoded amino acid sequence of the POLD1 protein. This variant is not present in population databases (ExAC no frequency). This variant has not been reported in the literature in individuals with POLD1-related conditions. Algorithms developed to predict the effect of sequence changes on RNA splicing suggest that this variant may disrupt the consensus splice site, but this prediction has not been confirmed by published transcriptional studies. In summary, the available evidence is currently insufficient to determine the role of this variant in disease. Therefore, it has been classified as a Variant of Uncertain Significance.